The following is an entry in ClinVar:

NM_001142864.4(PIEZO1):c.848+8C>T

Genes: HSALR1 (HSP90AB1 associated lncRNA 1; plus strand), PIEZO1 (piezo type mechanosensitive ion channel component 1 (Er blood group); minus strand). Cytogenetic location: 16q24.3.
Variant type: single nucleotide variant.
Coding change: c.848+8C>T on transcript NM_001142864.4 (MANE Select); 8 bases into the intron after coding-DNA position 848, C replaced by T.
Molecular consequence: intron variant. On other transcripts: non-coding transcript variant (1).
Genome position (GRCh38, 1-based): chr16:88,738,219, G>A on the plus strand (C>T on the coding strand, the complement: PIEZO1 is on the minus strand). VCF-style: chr16-88738219-G-A. GRCh37 (hg19) VCF-style: chr16-88804627-G-A.
Identifiers: ClinVar variation 3045903 (VCV003045903.2), dbSNP rs1328780851, ClinGen allele CA497368124.

ClinVar aggregate classification (germline): Likely benign (0 of 4 stars; one submission).

Conditions:
PIEZO1-related disorder. Also called: PIEZO1-Related Disorders; PIEZO1-related condition.

Allele frequency attached by ClinVar (database versions not stated): TOPMed 0.00001; gnomAD 0.00003; 1000 Genomes Project 30x 0.00016.

Submission:

PreventionGenetics, part of Exact Sciences
Classification: Likely benign for PIEZO1-related condition. Last evaluated: 2022-04-29. Review status: no assertion criteria provided. Collection method: clinical testing. Allele origin: germline.
Comment: This variant is classified as likely benign based on ACMG/AMP sequence variant interpretation guidelines (Richards et al. 2015 PMID: 25741868, with internal and published modifications).